The following is an entry in ClinVar:

NM_000093.5(COL5A1):c.4048C>A (p.Pro1350Thr)

Gene: COL5A1 (collagen type V alpha 1 chain; plus strand). Cytogenetic location: 9q34.3.
Variant type: single nucleotide variant.
Coding change: c.4048C>A on transcript NM_000093.5 (MANE Select); coding-DNA position 4048, C replaced by A.
Protein change: p.Pro1350Thr; replaces proline 1350 with threonine.
Molecular consequence: missense variant.
Genome position (GRCh38, 1-based): chr9:134,815,609, C>A. VCF-style: chr9-134815609-C-A. GRCh37 (hg19) VCF-style: chr9-137707455-C-A.
Other names: c.4048C>A, p.Pro1350Thr (NM_001278074.1); short protein forms P1350T.
Identifiers: ClinVar variation 3006598 (VCV003006598.3), dbSNP rs762699995, ClinGen allele CA375456271.

ClinVar aggregate classification (germline): Uncertain significance (1 of 4 stars; one submission).

Conditions:
Ehlers-Danlos syndrome, classic type, 1 (EDSCL1). Also called: EDS I; EHLERS-DANLOS SYNDROME, GRAVIS TYPE; EHLERS-DANLOS SYNDROME, SEVERE CLASSIC TYPE; Ehlers-Danlos syndrome, type 1; Ehlers-Danlos Syndrome, Classic Type, COL5A1-Related. Identifiers: MedGen C0268335, MONDO:0019567, OMIM 130000.

Allele frequency attached by ClinVar (database versions not stated): gnomAD 0.00001.
gnomAD v4.1: 1 of 1,613,694 alleles (0.000062%); highest among the groups gnomAD compares: Non-Finnish European, 0.000085%; no homozygotes.

Submission:

Labcorp Genetics (formerly Invitae), Labcorp
Classification: Uncertain significance for Ehlers-Danlos syndrome, classic type, 1. Last evaluated: 2025-08-02. Review status: criteria provided, single submitter. Criteria: Invitae Variant Classification Sherloc (09022015). Collection method: clinical testing. Allele origin: germline.
Comment: This sequence change replaces proline, which is neutral and non-polar, with threonine, which is neutral and polar, at codon 1350 of the COL5A1 protein (p.Pro1350Thr). This variant is not present in population databases (gnomAD no frequency). This variant has not been reported in the literature in individuals affected with COL5A1-related conditions. ClinVar contains an entry for this variant (Variation ID: 3006598). Invitae Evidence Modeling of protein sequence and biophysical properties (such as structural, functional, and spatial information, amino acid conservation, physicochemical variation, residue mobility, and thermodynamic stability) indicates that this missense variant is not expected to disrupt COL5A1 protein function with a negative predictive value of 95%. In summary, the available evidence is currently insufficient to determine the role of this variant in disease. Therefore, it has been classified as a Variant of Uncertain Significance.